The following is an entry in ClinVar:

NM_172351.3(CD46):c.89C>T (p.Ser30Phe)

Genes: CD46 (CD46 molecule; plus strand), LOC129932405 (ATAC-STARR-seq lymphoblastoid active region 2449; plus strand). Cytogenetic location: 1q32.2.
Variant type: single nucleotide variant.
Coding change: c.89C>T on transcript NM_172351.3 (MANE Select); coding-DNA position 89, C replaced by T.
Protein change: p.Ser30Phe; replaces serine 30 with phenylalanine.
Molecular consequence: missense variant.
Genome position (GRCh38, 1-based): chr1:207,752,301, C>T. VCF-style: chr1-207752301-C-T. GRCh37 (hg19) VCF-style: chr1-207925646-C-T.
Other names: c.89C>T, p.Ser30Phe (NM_002389.4, NM_153826.4, NM_172350.3 and 8 more transcripts); short protein forms S30F.
Identifiers: ClinVar variation 4766667 (VCV004766667.1).

ClinVar aggregate classification (germline): Uncertain significance (1 of 4 stars; one submission).

gnomAD v4.1: 2 of 1,614,056 alleles (0.00012%); highest among the groups gnomAD compares: South Asian, 0.0011%; no homozygotes.

Submission:

Labcorp Genetics (formerly Invitae), Labcorp
Classification: Uncertain significance. Last evaluated: 2025-12-31. Review status: criteria provided, single submitter. Criteria: Invitae Variant Classification Sherloc (09022015). Collection method: clinical testing. Allele origin: germline.
Comment: This sequence change replaces serine, which is neutral and polar, with phenylalanine, which is neutral and non-polar, at codon 30 of the CD46 protein (p.Ser30Phe). This variant is not present in population databases (gnomAD no frequency). This variant has not been reported in the literature in individuals affected with CD46-related conditions. Invitae Evidence Modeling of protein sequence and biophysical properties (such as structural, functional, and spatial information, amino acid conservation, physicochemical variation, residue mobility, and thermodynamic stability) indicates that this missense variant is not expected to disrupt CD46 protein function with a negative predictive value of 80%. In summary, the available evidence is currently insufficient to determine the role of this variant in disease. Therefore, it has been classified as a Variant of Uncertain Significance.